The following is an entry in ClinVar:

NM_152281.3(GORAB):c.661C>T (p.Arg221Trp)

Gene: GORAB (golgin, RAB6 interacting; plus strand). Cytogenetic location: 1q24.2.
Variant type: single nucleotide variant.
Coding change: c.661C>T on transcript NM_152281.3 (MANE Select); coding-DNA position 661, C replaced by T.
Protein change: p.Arg221Trp; replaces arginine 221 with tryptophan.
Molecular consequence: missense variant. On other transcripts: non-coding transcript variant (1).
Genome position (GRCh38, 1-based): chr1:170,544,844, C>T. VCF-style: chr1-170544844-C-T. GRCh37 (hg19) VCF-style: chr1-170513985-C-T.
Other names: c.661C>T, p.Arg221Trp (NM_001146039.2); c.196C>T, p.Arg66Trp (NM_001320252.2); c.610C>T, p.Arg204Trp (NM_001410894.1); short protein forms R204W, R221W, R66W.
Identifiers: ClinVar variation 4736990 (VCV004736990.1).

ClinVar aggregate classification (germline): Uncertain significance (1 of 4 stars; one submission).

gnomAD v4.1: 17 of 1,606,672 alleles (0.0011%); highest among the groups gnomAD compares: Admixed American, 0.017%; no homozygotes.

Submission:

Labcorp Genetics (formerly Invitae), Labcorp
Classification: Uncertain significance. Last evaluated: 2025-03-16. Review status: criteria provided, single submitter. Criteria: Invitae Variant Classification Sherloc (09022015). Collection method: clinical testing. Allele origin: germline.
Comment: This sequence change replaces arginine, which is basic and polar, with tryptophan, which is neutral and slightly polar, at codon 246 of the GORAB protein (p.Arg246Trp). This variant is present in population databases (rs772589935, gnomAD 0.009%). This variant has not been reported in the literature in individuals affected with GORAB-related conditions. An algorithm developed to predict the effect of missense changes on protein structure and function outputs the following: PolyPhen-2: "Benign". The tryptophan amino acid residue is found in multiple mammalian species, which suggests that this missense change does not adversely affect protein function. In summary, the available evidence is currently insufficient to determine the role of this variant in disease. Therefore, it has been classified as a Variant of Uncertain Significance.